The following is an entry in ClinVar:

ClinVar aggregate classification (germline): Uncertain significance (1 of 4 stars; one submission).

Conditions:
Inborn genetic diseases. Identifiers: MedGen C0950123, MeSH D030342.

Submission:

Ambry Genetics
Classification: Uncertain significance for Inborn genetic diseases. Last evaluated: 2021-11-14. Review status: criteria provided, single submitter. Criteria: Ambry Variant Classification Scheme 2023. Collection method: clinical testing. Allele origin: germline.
Comment: The p.Q86K variant (also known as c.256C>A), located in coding exon 1 of the LTBP3 gene, results from a C to A substitution at nucleotide position 256. The glutamine at codon 86 is replaced by lysine, an amino acid with similar properties. This amino acid position is conserved. In addition, this alteration is predicted to be tolerated by in silico analysis. Since supporting evidence is limited at this time, the clinical significance of this alteration remains unclear.

NM_001130144.3(LTBP3):c.256C>A (p.Gln86Lys)

Gene: LTBP3 (latent transforming growth factor beta binding protein 3; minus strand). Cytogenetic location: 11q13.1.
Variant type: single nucleotide variant.
Coding change: c.256C>A on transcript NM_001130144.3 (MANE Select); coding-DNA position 256, C replaced by A.
Protein change: p.Gln86Lys; replaces glutamine 86 with lysine.
Molecular consequence: missense variant. On other transcripts: 5 prime UTR variant (1).
Genome position (GRCh38, 1-based): chr11:65,557,704, G>T on the plus strand (C>A on the coding strand, the complement: LTBP3 is on the minus strand). VCF-style: chr11-65557704-G-T. GRCh37 (hg19) VCF-style: chr11-65325175-G-T.
Other names: c.-92C>A (NM_001164266.1); c.256C>A, p.Gln86Lys (NM_021070.4); short protein forms Q86K.
Identifiers: ClinVar variation 1793211 (VCV001793211.2), dbSNP rs2496186510, ClinGen allele CA381277946.